The following is an entry in ClinVar:

NM_000169.3(GLA):c.1059G>C (p.Met353Ile)

Genes: GLA (galactosidase alpha; minus strand), RPL36A-HNRNPH2 (RPL36A-HNRNPH2 readthrough; plus strand). Cytogenetic location: Xq22.1.
Variant type: single nucleotide variant.
Coding change: c.1059G>C on transcript NM_000169.3 (MANE Select); coding-DNA position 1059, G replaced by C.
Protein change: p.Met353Ile; replaces methionine 353 with isoleucine.
Molecular consequence: missense variant. On other transcripts: non-coding transcript variant (3), intron variant (2).
Genome position (GRCh38, 1-based): chrX:101,398,040, C>G on the plus strand (G>C on the coding strand, the complement: GLA is on the minus strand). VCF-style: chrX-101398040-C-G. GRCh37 (hg19) VCF-style: chrX-100653028-C-G.
Other names: c.1182G>C, p.Met394Ile (NM_001406747.1); c.300+2583C>G (NM_001199973.2); c.177+6218C>G (NM_001199974.2); short protein forms M353I, M394I.
Identifiers: ClinVar variation 4974855 (VCV004974855.1).

ClinVar aggregate classification (germline): Uncertain significance (1 of 4 stars; one submission).

Conditions:
Fabry disease. Also called: Fabry's disease; ALPHA-GALACTOSIDASE A DEFICIENCY; ANDERSON-FABRY DISEASE; CERAMIDE TRIHEXOSIDASE DEFICIENCY; GLA DEFICIENCY; HEREDITARY DYSTOPIC LIPIDOSIS. Identifiers: Orphanet 324, MedGen C0002986, MONDO:0010526, OMIM 301500, HP:0001071. Disease mechanism: Fabry disease is due to inactivating mutations in the X-linked GLA gene resulting in deficiency of the enzyme Alpha Galactosidase-A., loss of function.

Submission:

Genomenon, Inc
Classification: Uncertain significance for Fabry disease. Last evaluated: 2026-09-08. Review status: criteria provided, single submitter. Criteria: Genomenon Sequence Variant Interpretation Standards - Updated. Collection method: curation. Allele origin: germline. Affected: no.
Comment: GLA p.Met353Ile (c.1059G>C) is a missense variant that changes the amino acid at codon 353 from Methionine to Isoleucine. This variant has been reported in the published literature (PMID:12920095;39468034). It is absent or not present at a significant frequency in gnomAD. In silico models predict that this variant is not damaging. In conclusion, we classify GLA p.Met353Ile (c.1059G>C) as a variant of uncertain significance.

Literature cited by the submitters: PubMed 12920095; PubMed 39468034.